The following is an entry in ClinVar:

NM_017849.4(TMEM127):c.182G>A (p.Cys61Tyr)

Gene: TMEM127 (transmembrane protein 127; minus strand). Cytogenetic location: 2q11.2.
Variant type: single nucleotide variant.
Coding change: c.182G>A on transcript NM_017849.4 (MANE Select); coding-DNA position 182, G replaced by A.
Protein change: p.Cys61Tyr; replaces cysteine 61 with tyrosine.
Molecular consequence: missense variant.
Genome position (GRCh38, 1-based): chr2:96,265,200, C>T on the plus strand (G>A on the coding strand, the complement: TMEM127 is on the minus strand). VCF-style: chr2-96265200-C-T. GRCh37 (hg19) VCF-style: chr2-96930938-C-T.
Other names: c.182G>A, p.Cys61Tyr (NM_001193304.3); c.182G>A (NM_017849.3); short protein forms C61Y.
Identifiers: ClinVar variation 1399510 (VCV001399510.7), dbSNP rs886056448, ClinGen allele CA347655949.

ClinVar aggregate classification (germline): Uncertain significance. Review status: criteria provided, multiple submitters, no conflicts (2 of 4 stars). 2 submissions from 2 submitters: Uncertain significance (2). Last evaluated 2023-10-12.

Conditions:
Hereditary cancer-predisposing syndrome. Also called: Tumor predisposition; Hereditary Cancer Syndrome; Hereditary neoplastic syndrome; Neoplastic Syndromes, Hereditary. Identifiers: Orphanet 140162, MedGen C0027672, MeSH D009386, MONDO:0015356.
Hereditary pheochromocytoma and paraganglioma. Also called: Hereditary paragangliomas and pheochromocytomas; Hereditary Paraganglioma-Pheochromocytoma Syndromes; Hereditary pheochromocytoma-paraganglioma. Identifiers: Orphanet 29072, MedGen C4274332, MONDO:0017366.

Allele frequency attached by ClinVar (database versions not stated): gnomAD exomes below 0.00001.
gnomAD v4.1: 2 of 1,608,410 alleles (0.00012%); highest among the groups gnomAD compares: South Asian, 0.0011%; no homozygotes.

Submissions (2):

Labcorp Genetics (formerly Invitae), Labcorp
Classification: Uncertain significance for Hereditary pheochromocytoma and paraganglioma. Last evaluated: 2023-10-12. Review status: criteria provided, single submitter. Criteria: Invitae Variant Classification Sherloc (09022015). Collection method: clinical testing. Allele origin: germline.
Comment: This sequence change replaces cysteine, which is neutral and slightly polar, with tyrosine, which is neutral and polar, at codon 61 of the TMEM127 protein (p.Cys61Tyr). The frequency data for this variant in the population databases is considered unreliable, as metrics indicate poor data quality at this position in the gnomAD database. This variant has not been reported in the literature in individuals affected with TMEM127-related conditions. ClinVar contains an entry for this variant (Variation ID: 1399510). An algorithm developed to predict the effect of missense changes on protein structure and function (PolyPhen-2) suggests that this variant is likely to be disruptive. In summary, the available evidence is currently insufficient to determine the role of this variant in disease. Therefore, it has been classified as a Variant of Uncertain Significance.

Ambry Genetics
Classification: Uncertain significance for Hereditary cancer-predisposing syndrome. Last evaluated: 2023-08-01. Review status: criteria provided, single submitter. Criteria: Ambry Variant Classification Scheme 2023. Collection method: clinical testing. Allele origin: germline.
Comment: The p.C61Y variant (also known as c.182G>A), located in coding exon 1 of the TMEM127 gene, results from a G to A substitution at nucleotide position 182. The cysteine at codon 61 is replaced by tyrosine, an amino acid with highly dissimilar properties. This amino acid position is conserved. In addition, this alteration is predicted to be deleterious by in silico analysis. Since supporting evidence is limited at this time, the clinical significance of this alteration remains unclear.